The following is an entry in ClinVar:

NM_007254.4(PNKP):c.1321G>A (p.Ala441Thr)

Gene: PNKP (polynucleotide kinase 3'-phosphatase; minus strand). Cytogenetic location: 19q13.33.
Variant type: single nucleotide variant.
Coding change: c.1321G>A on transcript NM_007254.4 (MANE Select); coding-DNA position 1321, G replaced by A.
Protein change: p.Ala441Thr; replaces alanine 441 with threonine.
Molecular consequence: missense variant.
Genome position (GRCh38, 1-based): chr19:49,861,673, C>T on the plus strand (G>A on the coding strand, the complement: PNKP is on the minus strand). VCF-style: chr19-49861673-C-T. GRCh37 (hg19) VCF-style: chr19-50364930-C-T.
Other names: p.Ala441Thr; short protein forms A441T.
Identifiers: ClinVar variation 487231 (VCV000487231.11), dbSNP rs1351594110, ClinGen allele CA406933226.
Genomic context (GRCh38, chr19:49,861,673, plus strand): 5'-TGTTGTGGCGCGCCTGCTCCAGAGTGGCGGTGAAGAGGAAGCAGCGGCAGGGGACGCCCG[C>T]GGCTCGGGCACACTGGACGTACCTGTGGGGGAAGGAGCTGGATGTGCAGGCCCCGCCCAC-3'
Protein context (NP_009185.2, residues 431-451): RARYVQCARA[Ala441Thr]GVPCRCFLFT

ClinVar aggregate classification (germline): Uncertain significance. Review status: criteria provided, multiple submitters, no conflicts (2 of 4 stars). 2 submissions from 2 submitters: Uncertain significance (2). Last evaluated 2024-07-22.

Conditions:
Developmental and epileptic encephalopathy, 12 (DEE12). Identifiers: MedGen C3150988, MONDO:0013389, OMIM 613722.

Allele frequency attached by ClinVar (database versions not stated): TOPMed below 0.00001; gnomAD 0.00001; 1000 Genomes Project 30x 0.00016.
gnomAD v4.1: 15 of 1,547,624 alleles (0.00097%); highest among the groups gnomAD compares: East Asian, 0.022%; no homozygotes.

Submissions (2):

Mayo Clinic Laboratories, Mayo Clinic
Classification: Uncertain significance. Last evaluated: 2024-07-22. Review status: criteria provided, single submitter. Criteria: ACMG Guidelines, 2015. Collection method: clinical testing. Allele origin: germline. Observed: 1 variant allele.
Comment: BP4

Labcorp Genetics (formerly Invitae), Labcorp
Classification: Uncertain significance for Developmental and epileptic encephalopathy, 12. Last evaluated: 2022-08-30. Review status: criteria provided, single submitter. Criteria: Invitae Variant Classification Sherloc (09022015). Collection method: clinical testing. Allele origin: germline.
Comment: In summary, the available evidence is currently insufficient to determine the role of this variant in disease. Therefore, it has been classified as a Variant of Uncertain Significance. Algorithms developed to predict the effect of missense changes on protein structure and function are either unavailable or do not agree on the potential impact of this missense change (SIFT: "Tolerated"; PolyPhen-2: "Possibly Damaging"; Align-GVGD: "Class C0"). ClinVar contains an entry for this variant (Variation ID: 487231). This variant has not been reported in the literature in individuals affected with PNKP-related conditions. The frequency data for this variant in the population databases is considered unreliable, as metrics indicate poor data quality at this position in the gnomAD database. This sequence change replaces alanine, which is neutral and non-polar, with threonine, which is neutral and polar, at codon 441 of the PNKP protein (p.Ala441Thr).